The following is an entry in ClinVar:

NM_001110556.2(FLNA):c.1817_1819del (p.Val606del)

Gene: FLNA (filamin A; minus strand). Cytogenetic location: Xq28.
Variant type: Deletion.
Coding change: c.1817_1819del on transcript NM_001110556.2 (MANE Select); coding-DNA positions 1817 to 1819, 3 bases deleted (TGG; older notation c.1817_1819delTGG).
Protein change: p.Val606del; deletes valine 606.
Molecular consequence: inframe deletion.
Genome position (GRCh38, 1-based): chrX:154,364,830-154,364,832, CCA deleted on the plus strand (TGG on the coding strand, the reverse complement: FLNA is on the minus strand); deleting any 3 consecutive bases within chrX:154,364,830-154,364,833 gives the same sequence; the c. name uses the placement nearest the transcript's 3' end. VCF-style (leftmost placement, unchanged base first): chrX-154364829-CCCA-C. GRCh37 (hg19) VCF-style: chrX-153593197-CCCA-C.
Other names: c.1817_1819del, p.Val606del (NM_001456.4); short protein forms V606del.
Identifiers: ClinVar variation 2635493 (VCV002635493.1), dbSNP rs2522755581, ClinGen allele CA2695197197.
Genomic context (GRCh38, chrX:154,364,829, plus strand): 5'-CGTCCTTGCCATCGTCTGTCCCCAGGTGCCCATGCTGCAGCCTCCAACTTACCCAGCGTG[CCCA>C]CGTCGTCCCCGATAGCCTCCACCACAAAGTCTGCTGACTTGCCAACGACGCCGCCCTCCA-3'

ClinVar aggregate classification (germline): Uncertain significance (1 of 4 stars; one submission).

Conditions:
FLNA-related disorder.

Submission:

PreventionGenetics, part of Exact Sciences
Classification: Uncertain significance for FLNA-related condition. Last evaluated: 2022-10-31. Review status: criteria provided, single submitter. Criteria: ACMG Guidelines, 2015. Collection method: clinical testing. Allele origin: germline.
Comment: The FLNA c.1817_1819delTGG variant is predicted to result in an in-frame deletion (p.Val606del). To our knowledge, this variant has not been reported in the literature or in a large population database, indicating this variant is rare. At this time, the clinical significance of this variant is uncertain due to the absence of conclusive functional and genetic evidence.